The following is an entry in ClinVar:

ClinVar aggregate classification (germline): Uncertain significance (1 of 4 stars; one submission).

Submission:

Mayo Clinic Laboratories, Mayo Clinic
Classification: Uncertain significance. Last evaluated: 2025-01-09. Review status: criteria provided, single submitter. Criteria: ACMG Guidelines, 2015. Collection method: clinical testing. Allele origin: germline. Observed: 1 variant allele.
Comment: PP3_moderate, PM2_supporting, PS4_moderate

Literature cited by the submitters: PubMed 18976247; PubMed 38397060.

NM_019616.4(F7):c.1208G>C (p.Gly403Ala)

Gene: F7 (coagulation factor VII; plus strand). Cytogenetic location: 13q34.
Variant type: single nucleotide variant.
Coding change: c.1208G>C on transcript NM_019616.4 (MANE Select); coding-DNA position 1208, G replaced by C.
Protein change: p.Gly403Ala; replaces glycine 403 with alanine.
Molecular consequence: missense variant. On other transcripts: non-coding transcript variant (1).
Genome position (GRCh38, 1-based): chr13:113,118,881, G>C. VCF-style: chr13-113118881-G-C. GRCh37 (hg19) VCF-style: chr13-113773195-G-C.
Other names: p.Gly425Ala; c.1274G>C, p.Gly425Ala (NM_000131.5); c.1022G>C, p.Gly341Ala (NM_001267554.2); short protein forms G425A, G341A, G403A.
Identifiers: ClinVar variation 4541812 (VCV004541812.1).